The following is an entry in ClinVar:

ClinVar aggregate classification (germline): Likely benign (1 of 4 stars; one submission).

Allele frequency attached by ClinVar (database versions not stated): gnomAD exomes below 0.00001; gnomAD 0.00001.
gnomAD v4.1: 6 of 1,608,960 alleles (0.00037%); highest among the groups gnomAD compares: Admixed American, 0.0017%; no homozygotes.

Submission:

CeGaT Center for Human Genetics Tuebingen
Classification: Likely benign. Last evaluated: 2022-11-01. Review status: criteria provided, single submitter. Criteria: CeGaT Center For Human Genetics Tuebingen Variant Classification Criteria Version 2. Collection method: clinical testing. Allele origin: germline. Affected: yes. Observed: 1 variant allele.
Comment: ITGA2: BP4, BP7

NM_002203.4(ITGA2):c.387C>T (p.Leu129=)

Gene: ITGA2 (integrin subunit alpha 2; plus strand). Cytogenetic location: 5q11.2.
Variant type: single nucleotide variant.
Coding change: c.387C>T on transcript NM_002203.4 (MANE Select); coding-DNA position 387, C replaced by T.
Protein change: p.Leu129=; no amino-acid change (leucine 129 retained).
Molecular consequence: synonymous variant. On other transcripts: non-coding transcript variant (5).
Genome position (GRCh38, 1-based): chr5:53,045,092, C>T. VCF-style: chr5-53045092-C-T. GRCh37 (hg19) VCF-style: chr5-52340922-C-T.
Identifiers: ClinVar variation 2655460 (VCV002655460.24), dbSNP rs1432056940, ClinGen allele CA444161394.